The following is an entry in ClinVar:

NM_001321967.2(ATAD1):c.224G>C (p.Ser75Thr)

Gene: ATAD1 (ATPase family AAA domain containing 1; minus strand). Cytogenetic location: 10q23.31.
Variant type: single nucleotide variant.
Coding change: c.224G>C on transcript NM_001321967.2 (MANE Select); coding-DNA position 224, G replaced by C.
Protein change: p.Ser75Thr; replaces serine 75 with threonine.
Molecular consequence: missense variant. On other transcripts: 5 prime UTR variant (1), non-coding transcript variant (1).
Genome position (GRCh38, 1-based): chr10:87,792,694, C>G on the plus strand (G>C on the coding strand, the complement: ATAD1 is on the minus strand). VCF-style: chr10-87792694-C-G. GRCh37 (hg19) VCF-style: chr10-89552451-C-G.
Other names: c.224G>C, p.Ser75Thr (NM_001321968.2, NM_032810.4); c.-224G>C (NM_001321969.2); short protein forms S75T.
Identifiers: ClinVar variation 1380097 (VCV001380097.6), dbSNP rs778119962, ClinGen allele CA377492352.

ClinVar aggregate classification (germline): Uncertain significance (1 of 4 stars; one submission).

Submission:

Labcorp Genetics (formerly Invitae), Labcorp
Classification: Uncertain significance. Last evaluated: 2021-09-07. Review status: criteria provided, single submitter. Criteria: Invitae Variant Classification Sherloc (09022015). Collection method: clinical testing. Allele origin: germline.
Comment: Algorithms developed to predict the effect of missense changes on protein structure and function are either unavailable or do not agree on the potential impact of this missense change (SIFT: "Not Available"; PolyPhen-2: "Benign"; Align-GVGD: "Not Available"). This sequence change replaces serine with threonine at codon 75 of the ATAD1 protein (p.Ser75Thr). The serine residue is moderately conserved and there is a small physicochemical difference between serine and threonine. This variant is not present in population databases (ExAC no frequency). This variant has not been reported in the literature in individuals affected with ATAD1-related conditions. In summary, the available evidence is currently insufficient to determine the role of this variant in disease. Therefore, it has been classified as a Variant of Uncertain Significance.